The following is an entry in ClinVar:

NM_001080421.3(UNC13A):c.2786G>A (p.Gly929Glu)

Gene: UNC13A (unc-13 homolog A; minus strand). Cytogenetic location: 19p13.11.
Variant type: single nucleotide variant.
Coding change: c.2786G>A on transcript NM_001080421.3 (MANE Select); coding-DNA position 2786, G replaced by A.
Protein change: p.Gly929Glu; replaces glycine 929 with glutamic acid.
Molecular consequence: missense variant.
Genome position (GRCh38, 1-based): chr19:17,640,512, C>T on the plus strand (G>A on the coding strand, the complement: UNC13A is on the minus strand). VCF-style: chr19-17640512-C-T. GRCh37 (hg19) VCF-style: chr19-17751321-C-T.
Other names: c.2780G>A, p.Gly927Glu (NM_001387021.1, NM_001387022.1, NM_001387023.1); short protein forms G929E, G927E.
Identifiers: ClinVar variation 982685 (VCV000982685.2), dbSNP rs2076957024, ClinGen allele CA404712878.
Genomic context (GRCh38, chr19:17,640,512, plus strand): 5'-TCTGACCGGCATAAAGTTGGGCTCTCCCTAATTCTCCAATCCCAGTCCCCAGGACTGACC[C>T]CAAAGTTGGAGGCGGCGAAGCGGTCGGAGGCAGACACGTTGGTGGAGGCGGTGGTGTGTG-3'
Protein context (NP_001073890.2, residues 919-939): ASDRFAASNF[Gly929Glu]KERFVKLLDQ

ClinVar aggregate classification (germline): Conflicting classifications of pathogenicity. Review status: criteria provided, conflicting classifications (1 of 4 stars). 2 submissions from 1 submitter: Likely pathogenic (1); Uncertain significance (1). Last evaluated 2025-11-12.

Conditions:
Neurodevelopmental disorder. Identifiers: MedGen C1535926, MeSH D065886, MONDO:0700092.
UNC13A-associated neurodevelopmental disorder.

Submissions (2):

Institute of Human Genetics, University of Leipzig Medical Center
Classification: Likely pathogenic for UNC13A-associated neurodevelopmental disorder. Last evaluated: 2025-11-12. Review status: criteria provided, single submitter. Criteria: ACMG Guidelines, 2015. Collection method: clinical testing. Allele origin: de novo. Inheritance: Autosomal dominant inheritance. Affected: yes.
Comment: Criteria applied: PS2_MOD,PM2,PP2,PP3

Institute of Human Genetics, University of Leipzig Medical Center
Classification: Uncertain significance for Neurodevelopmental disorder. Last evaluated: 2019-01-01. Review status: criteria provided, single submitter. Criteria: ACMG Guidelines, 2015. Collection method: clinical testing. Allele origin: de novo. Affected: yes.
Comment: This variant was identified as de novo.

Literature cited by the submitters: DOI 10.1038/s41588-025-02361-5.